The following is an entry in ClinVar:

NM_006231.4(POLE):c.3347G>A (p.Ser1116Asn)

Gene: POLE (DNA polymerase epsilon, catalytic subunit; minus strand). Cytogenetic location: 12q24.33.
Variant type: single nucleotide variant.
Coding change: c.3347G>A on transcript NM_006231.4 (MANE Select); coding-DNA position 3347, G replaced by A.
Protein change: p.Ser1116Asn; replaces serine 1116 with asparagine.
Molecular consequence: missense variant.
Genome position (GRCh38, 1-based): chr12:132,657,899, C>T on the plus strand (G>A on the coding strand, the complement: POLE is on the minus strand). VCF-style: chr12-132657899-C-T. GRCh37 (hg19) VCF-style: chr12-133234485-C-T.
Other names: short protein forms S1116N.
Identifiers: ClinVar variation 3422104 (VCV003422104.3).

ClinVar aggregate classification (germline): Uncertain significance. Review status: criteria provided, multiple submitters, no conflicts (2 of 4 stars). 2 submissions from 2 submitters: Uncertain significance (2). Last evaluated 2025-05-07.

Conditions:
Hereditary cancer-predisposing syndrome. Also called: Neoplastic Syndromes, Hereditary; Tumor predisposition; Hereditary Cancer Syndrome; Hereditary neoplastic syndrome. Identifiers: Orphanet 140162, MedGen C0027672, MeSH D009386, MONDO:0015356.

gnomAD v4.1: 6 of 1,614,006 alleles (0.00037%); highest among the groups gnomAD compares: Non-Finnish European, 0.00051%; no homozygotes.

Submissions (2):

Labcorp Genetics (formerly Invitae), Labcorp
Classification: Uncertain significance. Last evaluated: 2025-05-07. Review status: criteria provided, single submitter. Criteria: Invitae Variant Classification Sherloc (09022015). Collection method: clinical testing. Allele origin: germline.
Comment: This sequence change replaces serine, which is neutral and polar, with asparagine, which is neutral and polar, at codon 1116 of the POLE protein (p.Ser1116Asn). This variant is not present in population databases (gnomAD no frequency). This variant has not been reported in the literature in individuals affected with POLE-related conditions. ClinVar contains an entry for this variant (Variation ID: 3422104). Invitae Evidence Modeling of protein sequence and biophysical properties (such as structural, functional, and spatial information, amino acid conservation, physicochemical variation, residue mobility, and thermodynamic stability) indicates that this missense variant is not expected to disrupt POLE protein function with a negative predictive value of 80%. In summary, the available evidence is currently insufficient to determine the role of this variant in disease. Therefore, it has been classified as a Variant of Uncertain Significance.

Ambry Genetics
Classification: Uncertain significance for Hereditary cancer-predisposing syndrome. Last evaluated: 2024-07-01. Review status: criteria provided, single submitter. Criteria: Ambry Variant Classification Scheme 2023. Collection method: clinical testing. Allele origin: germline.
Comment: The p.S1116N variant (also known as c.3347G>A), located in coding exon 27 of the POLE gene, results from a G to A substitution at nucleotide position 3347. The serine at codon 1116 is replaced by asparagine, an amino acid with highly similar properties. This amino acid position is conserved. In addition, this alteration is predicted to be tolerated by in silico analysis. Based on the available evidence, the clinical significance of this variant remains unclear.